The following is an entry in ClinVar:

ClinVar aggregate classification (germline): Uncertain significance (1 of 4 stars; one submission).

Submission:

Labcorp Genetics (formerly Invitae), Labcorp
Classification: Uncertain significance. Last evaluated: 2025-05-30. Review status: criteria provided, single submitter. Criteria: Invitae Variant Classification Sherloc (09022015). Collection method: clinical testing. Allele origin: germline.
Comment: This sequence change replaces aspartic acid, which is acidic and polar, with glycine, which is neutral and non-polar, at codon 51 of the NT5C3A protein (p.Asp51Gly). This variant is not present in population databases (gnomAD no frequency). This variant has not been reported in the literature in individuals affected with NT5C3A-related conditions. Invitae Evidence Modeling of protein sequence and biophysical properties (such as structural, functional, and spatial information, amino acid conservation, physicochemical variation, residue mobility, and thermodynamic stability) indicates that this missense variant is expected to disrupt NT5C3A protein function with a positive predictive value of 80%. In summary, the available evidence is currently insufficient to determine the role of this variant in disease. Therefore, it has been classified as a Variant of Uncertain Significance.

NM_001002010.5(NT5C3A):c.254A>G (p.Asp85Gly)

Gene: NT5C3A (5'-nucleotidase, cytosolic IIIA; minus strand). Cytogenetic location: 7p14.3.
Variant type: single nucleotide variant.
Coding change: c.254A>G on transcript NM_001002010.5 (MANE Select); coding-DNA position 254, A replaced by G.
Protein change: p.Asp85Gly; replaces aspartic acid 85 with glycine.
Molecular consequence: missense variant.
Genome position (GRCh38, 1-based): chr7:33,024,092, T>C on the plus strand (A>G on the coding strand, the complement: NT5C3A is on the minus strand). VCF-style: chr7-33024092-T-C. GRCh37 (hg19) VCF-style: chr7-33063704-T-C.
Other names: c.152A>G, p.Asp51Gly (NM_001002009.3, NM_016489.14); c.116A>G, p.Asp39Gly (NM_001166118.3, NM_001356996.3, NM_001374336.1 and 1 more transcripts); c.155A>G, p.Asp52Gly (NM_001374335.1); c.254A>G, p.Asp85Gly (NM_001374338.1); c.53A>G, p.Asp18Gly (NM_001374339.1); short protein forms D52G, D51G, D85G, D18G, D39G.
Identifiers: ClinVar variation 4768326 (VCV004768326.1).